The following is an entry in ClinVar:

NM_006269.2(RP1):c.2103_2104insGGCTGAGGCAGGAGAATGGCATGAACCCGGGAGGCGGAGCTTGCAGTGAGCCGAGATCCCGCCACTGCACTCCAGCCTGGGCGACAGAGCGAGACTCCGTCTCANNNNNNNNNNAAAAAAAAAAAAAAAAAAAAAAGAATGAGAGA (p.Ile702delinsGlyTer)

Gene: RP1 (RP1 axonemal microtubule associated; plus strand). Cytogenetic location: 8q12.1.
Variant type: Insertion.
Coding change: c.2103_2104insGGCTGAGGCAGGAGAATGGCATGAACCCGGGAGGCGGAGCTTGCAGTGAGCCGAGATCCCGCCACTGCACTCCAGCCTGGGCGACAGAGCGAGACTCCGTCTCANNNNNNNNNNAAAAAAAAAAAAAAAAAAAAAAGAATGAGAGA on transcript NM_006269.2 (MANE Select); coding-DNA positions 2103 to 2104, GGCTGAGGCAGGAGAATGGCATGAACCCGGGAGGCGGAGCTTGCAGTGAGCCGAGATCCCGCCACTGCACTCCAGCCTGGGCGACAGAGCGAGACTCCGTCTCANNNNNNNNNNAAAAAAAAAAAAAAAAAAAAAAGAATGAGAGA inserted.
Protein change: p.Ile702delinsGlyTer.
Molecular consequence: nonsense. On other transcripts: intron variant (1).
Genome position: GRCh38: chr8:54,625,985-54,625,986. GRCh37 (hg19): chr8:55,538,545-55,538,546.
Other names: c.787+3697_787+3698insGGCTGAGGCAGGAGAATGGCATGAACCCGGGAGGCGGAGCTTGCAGTGAGCCGAGATCCCGCCACTGCACTCCAGCCTGGGCGACAGAGCGAGACTCCGTCTCANNNNNNNNNNAAAAAAAAAAAAAAAAAAAAAAGAATGAGAGA (NM_001375654.1).
Identifiers: ClinVar variation 1451373 (VCV001451373.8), dbSNP rs2129316422.

ClinVar aggregate classification (germline): Pathogenic (1 of 4 stars; one submission).

Submission:

Labcorp Genetics (formerly Invitae), Labcorp
Classification: Pathogenic. Last evaluated: 2022-03-09. Review status: criteria provided, single submitter. Criteria: Invitae Variant Classification Sherloc (09022015). Collection method: clinical testing. Allele origin: germline.
Comment: For these reasons, this variant has been classified as Pathogenic. Retrotransposon insertions including LINE1 (L1), Alu, and SVA (SINE-VNTR-Alu) have been reported to disrupt protein function (PMID: 19763152, 20307669, 22406018). However the effect of this particular variant is unknown. This variant disrupts the C-terminus of the RP1 protein. Many variants that disrupt this region have been reported in individuals with either autosomal dominant or autosomal recessive retinitis pigmentosa (PMID: 11527933, 19933189, 29425069, 30027431, 33681214). Therefore, variants that disrupt this region are expected to be disease-causing. Algorithms developed to predict the effect of sequence changes on RNA splicing suggest that this variant may create or strengthen a splice site. A similar variant has been observed in individual(s) with clinical features of autosomal dominant retinitis pigmentosa (Invitae). This variant is not present in population databases (gnomAD no frequency). This sequence change inserts a large fragment of DNA, likely a transposable element, in exon 4 of the RP1 gene (c.2103_2104ins?), causing a frameshift at codon 702 (p.Ile702fs). The exact size and sequence of the insertion cannot be determined by the current assay. However, the insertion is expected to result in an absent or disrupted protein product.

Literature cited by the submitters: PubMed 19763152; PubMed 20307669; PubMed 22406018; PubMed 11527933; PubMed 19933189; PubMed 29425069; PubMed 30027431; PubMed 33681214.